The following is an entry in ClinVar:

NM_001204.7(BMPR2):c.895G>C (p.Val299Leu)

Gene: BMPR2 (bone morphogenetic protein receptor type 2; plus strand). Cytogenetic location: 2q33.2.
Variant type: single nucleotide variant.
Coding change: c.895G>C on transcript NM_001204.7 (MANE Select); coding-DNA position 895, G replaced by C.
Protein change: p.Val299Leu; replaces valine 299 with leucine.
Molecular consequence: missense variant.
Genome position (GRCh38, 1-based): chr2:202,520,129, G>C. VCF-style: chr2-202520129-G-C. GRCh37 (hg19) VCF-style: chr2-203384852-G-C.
Other names: short protein forms V299L.
Identifiers: ClinVar variation 3824955 (VCV003824955.1).

ClinVar aggregate classification (germline): Uncertain significance (1 of 4 stars; one submission).

Conditions:
Inborn genetic diseases. Identifiers: MedGen C0950123, MeSH D030342.

gnomAD v4.1: 2 of 1,613,516 alleles (0.00012%); highest among the groups gnomAD compares: Non-Finnish European, 0.000085%; no homozygotes.

Submission:

Ambry Genetics
Classification: Uncertain significance for Inborn genetic diseases. Last evaluated: 2025-03-08. Review status: criteria provided, single submitter. Criteria: Ambry Variant Classification Scheme 2023. Collection method: clinical testing. Allele origin: germline.
Comment: The p.V299L variant (also known as c.895G>C), located in coding exon 7 of the BMPR2 gene, results from a G to C substitution at nucleotide position 895. The valine at codon 299 is replaced by leucine, an amino acid with highly similar properties. This amino acid position is conserved. In addition, this alteration is predicted to be tolerated by in silico analysis. Based on the available evidence, the clinical significance of this variant remains unclear.